The following is an entry in ClinVar:

NM_015311.3(OBSL1):c.4198_4199del (p.Thr1400fs)

Gene: OBSL1 (obscurin like cytoskeletal adaptor 1; minus strand). Cytogenetic location: 2q35.
Variant type: Deletion.
Coding change: c.4198_4199del on transcript NM_015311.3 (MANE Select); coding-DNA positions 4198 to 4199, 2 bases deleted (AC; older notation c.4198_4199delAC).
Protein change: p.Thr1400fs; shifts the reading frame from threonine 1400.
Molecular consequence: frameshift variant.
Genome position (GRCh38, 1-based): chr2:219,556,591-219,556,592, GT deleted on the plus strand (AC on the coding strand, the reverse complement: OBSL1 is on the minus strand); deleting any 2 consecutive bases within chr2:219,556,591-219,556,593 gives the same sequence; the c. name uses the placement nearest the transcript's 3' end. VCF-style (leftmost placement, unchanged base first): chr2-219556590-AGT-A. GRCh37 (hg19) VCF-style: chr2-220421312-AGT-A.
Other names: c.4198_4199del, p.Thr1400fs (NM_001173431.2); short protein forms T1400fs.
Identifiers: ClinVar variation 1507346 (VCV001507346.4), dbSNP rs775310530, ClinGen allele CA2130631.

ClinVar aggregate classification (germline): Uncertain significance (1 of 4 stars; one submission).

Submission:

Labcorp Genetics (formerly Invitae), Labcorp
Classification: Uncertain significance. Last evaluated: 2021-09-06. Review status: criteria provided, single submitter. Criteria: Invitae Variant Classification Sherloc (09022015). Collection method: clinical testing. Allele origin: germline.
Comment: In summary, the available evidence is currently insufficient to determine the role of this variant in disease. Therefore, it has been classified as a Variant of Uncertain Significance. This variant has not been reported in the literature in individuals affected with OBSL1-related conditions. This variant is present in population databases (rs775310530, ExAC 0.002%). This sequence change creates a premature translational stop signal (p.Thr1400Serfs*153) in the OBSL1 gene. However, it is currently unclear if variants that occur in this region of the gene cause disease.